The following is an entry in ClinVar:

NM_001110556.2(FLNA):c.3668C>T (p.Pro1223Leu)

Gene: FLNA (filamin A; minus strand). Cytogenetic location: Xq28.
Variant type: single nucleotide variant.
Coding change: c.3668C>T on transcript NM_001110556.2 (MANE Select); coding-DNA position 3668, C replaced by T.
Protein change: p.Pro1223Leu; replaces proline 1223 with leucine.
Molecular consequence: missense variant.
Genome position (GRCh38, 1-based): chrX:154,360,127, G>A on the plus strand (C>T on the coding strand, the complement: FLNA is on the minus strand). VCF-style: chrX-154360127-G-A. GRCh37 (hg19) VCF-style: chrX-153588495-G-A.
Other names: c.3668C>T, p.Pro1223Leu (NM_001456.4); short protein forms P1223L.
Identifiers: ClinVar variation 405445 (VCV000405445.10), dbSNP rs1060500716, ClinGen allele CA16616451.
Genomic context (GRCh38, chrX:154,360,127, plus strand): 5'-AAGTTGGGCACGGGCTGGCCGCCGTACTTGATGGTGACGGTGTAGGCCCCGGGGCAGAGG[G>A]GAATGTAGGTAATGGTGTGCGTGCCATCACCGTGGTCCTGGATGTACACCTCGGCCGGAA-3'
Protein context (NP_001104026.1, residues 1213-1233): GDGTHTITYI[Pro1223Leu]LCPGAYTVTI

ClinVar aggregate classification (germline): Pathogenic (1 of 4 stars; one submission).

Conditions:
Heterotopia, periventricular, X-linked dominant (PVNH1). Also called: PERIVENTRICULAR NODULAR HETEROTOPIA 4; HETEROTOPIA, PERIVENTRICULAR, 1; PERIVENTRICULAR NODULAR HETEROTOPIA 1; X-linked periventricular heterotopia. Identifiers: Orphanet 2149, Orphanet 82004, MedGen C1848213, MONDO:0010233, OMIM 300049.
Oto-palato-digital syndrome, type II (OPD2). Also called: Otopalatodigital Syndrome, Type II; Otopalatodigital Syndrome Type 2 (FLNA-OPD2); FACIOPALATOOSSEOUS SYNDROME; OPD II SYNDROME. Identifiers: Orphanet 669, Orphanet 90652, MedGen C1844696, MONDO:0010571, OMIM 304120.
Frontometaphyseal dysplasia (FMD1). Identifiers: Orphanet 1826, MedGen C0265293, MONDO:0015942.
Melnick-Needles syndrome (MNS). Also called: Melnick-Needles Syndrome (FLNA-MNS); MELNICK-NEEDLES OSTEODYSPLASTY; OSTEODYSPLASTY OF MELNICK AND NEEDLES. Identifiers: Orphanet 2484, MedGen C0025237, MONDO:0010650, OMIM 309350.

Submission:

Labcorp Genetics (formerly Invitae), Labcorp
Classification: Pathogenic for Oto-palato-digital syndrome, type II; Heterotopia, periventricular, X-linked dominant; Frontometaphyseal dysplasia; Melnick-Needles syndrome. Last evaluated: 2024-07-27. Review status: criteria provided, single submitter. Criteria: Invitae Variant Classification Sherloc (09022015). Collection method: clinical testing. Allele origin: germline.
Comment: This sequence change replaces proline, which is neutral and non-polar, with leucine, which is neutral and non-polar, at codon 1223 of the FLNA protein (p.Pro1223Leu). This variant is not present in population databases (gnomAD no frequency). This missense change has been observed in individual(s) with frontometaphyseal dysplasia (PMID: 21821884). In at least one individual the variant was observed to be de novo. ClinVar contains an entry for this variant (Variation ID: 405445). Advanced modeling of protein sequence and biophysical properties (such as structural, functional, and spatial information, amino acid conservation, physicochemical variation, residue mobility, and thermodynamic stability) has been performed at Invitae for this missense variant, however the output from this modeling did not meet the statistical confidence thresholds required to predict the impact of this variant on FLNA protein function. For these reasons, this variant has been classified as Pathogenic.

Literature cited by the submitters: PubMed 21821884.